The following is an entry in ClinVar:

ClinVar aggregate classification (germline): Benign/Likely benign. Review status: criteria provided, multiple submitters, no conflicts (2 of 4 stars). 3 submissions from 3 submitters: Benign (1); Likely benign (2). Last evaluated 2025-08-01.

Conditions:
Hereditary cancer-predisposing syndrome. Also called: Hereditary Cancer Syndrome; Tumor predisposition; Hereditary neoplastic syndrome; Neoplastic Syndromes, Hereditary. Identifiers: Orphanet 140162, MedGen C0027672, MeSH D009386, MONDO:0015356.
Familial adenomatous polyposis 1 (FAP1). Also called: FAMILIAL ADENOMATOUS POLYPOSIS 1, ATTENUATED; POLYPOSIS, ADENOMATOUS INTESTINAL. Identifiers: MedGen C2713442, MONDO:0021056, OMIM 175100. Disease mechanism: loss of function.

Submissions (3):

CeGaT Center for Human Genetics Tuebingen
Classification: Likely benign. Last evaluated: 2025-08-01. Review status: criteria provided, single submitter. Criteria: CeGaT Center For Human Genetics Tuebingen Variant Classification Criteria Version 2. Collection method: clinical testing. Allele origin: germline. Affected: yes. Observed: 1 variant allele.
Comment: APC: PM2:Supporting, BP4, BP7

Myriad Genetics, Inc.
Classification: Benign for Familial adenomatous polyposis 1. Last evaluated: 2024-04-09. Review status: criteria provided, single submitter. Criteria: Myriad Autosomal Dominant, Autosomal Recessive and X-Linked Classification Criteria (2023). Collection method: clinical testing. Allele origin: unknown.
Comment: This variant is considered benign. This variant is a silent/synonymous amino acid change and it is not expected to impact splicing.

Color Diagnostics, LLC DBA Color Health
Classification: Likely benign for Hereditary cancer-predisposing syndrome. Last evaluated: 2018-03-16. Review status: criteria provided, single submitter. Criteria: ACMG Guidelines, 2015. Collection method: clinical testing. Allele origin: germline.

NM_000038.6(APC):c.7173T>C (p.Ile2391=)

Gene: APC (APC regulator of Wnt signaling pathway; plus strand). Cytogenetic location: 5q22.2.
Variant type: single nucleotide variant.
Coding change: c.7173T>C on transcript NM_000038.6 (MANE Select); coding-DNA position 7173, T replaced by C.
Protein change: p.Ile2391=; no amino-acid change (isoleucine 2391 retained).
Molecular consequence: synonymous variant.
Genome position (GRCh38, 1-based): chr5:112,842,767, T>C. VCF-style: chr5-112842767-T-C. GRCh37 (hg19) VCF-style: chr5-112178464-T-C.
Other names: c.7173T>C, p.Ile2391= (NM_001127510.3, NM_001354895.2); c.7119T>C, p.Ile2373= (NM_001127511.3); c.7227T>C, p.Ile2409= (NM_001354896.2); c.7203T>C, p.Ile2401= (NM_001354897.2); c.7098T>C, p.Ile2366= (NM_001354898.2); c.7089T>C, p.Ile2363= (NM_001354899.2); c.7050T>C, p.Ile2350= (NM_001354900.2); c.6996T>C, p.Ile2332= (NM_001354901.2); and 5 more.
Identifiers: ClinVar variation 627917 (VCV000627917.11), dbSNP rs1561613381, ClinGen allele CA446210171.
Genomic context (GRCh38, chr5:112,842,767, plus strand): 5'-ACAGATGAGCCAACAGAACCTTACCAAACAAACAGGTTTATCCAAGAATGCCAGTAGTAT[T>C]CCAAGAAGTGAGTCTGCCTCCAAAGGACTAAATCAGATGAATAATGGTAATGGAGCCAAT-3'
Protein context (NP_000029.2, residues 2381-2401): QTGLSKNASS[Ile2391=]PRSESASKGL